The following is an entry in ClinVar:

ClinVar aggregate classification (germline): Likely pathogenic. Review status: criteria provided, multiple submitters, no conflicts (2 of 4 stars). 2 submissions from 2 submitters: Likely pathogenic (2). Last evaluated 2025-04-10.

Conditions:
Hemolytic uremic syndrome, atypical, susceptibility to, 1. Also called: AHUS, SUSCEPTIBILITY TO, 1. Identifiers: Orphanet 2134, Orphanet 90038, MedGen C2749604, MONDO:0009335, OMIM 235400. Disease mechanism: Other.
Basal laminar drusen. Also called: DRUSEN OF BRUCH MEMBRANE; DRUSEN, CUTICULAR; DRUSEN, EARLY ADULT-ONSET, GROUPED. Identifiers: Orphanet 75376, MedGen C0730295, MONDO:0007472, OMIM 126700.
Factor H deficiency (CFHD). Also called: COMPLEMENT FACTOR H DEFICIENCY; CFH DEFICIENCY. Identifiers: Orphanet 200421, MedGen C0398777, MONDO:0012350, OMIM 609814.
Age related macular degeneration 4. Identifiers: MedGen C1853147, MONDO:0012540, OMIM 610698.

Submissions (2):

Mayo Clinic Laboratories, Mayo Clinic
Classification: Likely pathogenic. Last evaluated: 2025-04-10. Review status: criteria provided, single submitter. Criteria: ACMG Guidelines, 2015. Collection method: clinical testing. Allele origin: germline. Observed: 1 variant allele.
Comment: PM2_supporting, PVS1

Fulgent Genetics
Classification: Likely pathogenic for Basal laminar drusen; Hemolytic uremic syndrome, atypical, susceptibility to, 1; Factor H deficiency; Age related macular degeneration 4. Last evaluated: 2024-04-11. Review status: criteria provided, single submitter. Criteria: ACMG Guidelines, 2015. Collection method: clinical testing. Allele origin: germline.

Literature cited by the submitters: PubMed 27905547 (cited by Mayo Clinic Laboratories, Mayo Clinic).

NM_000186.4(CFH):c.139del (p.Gln47fs)

Gene: CFH (complement factor H; plus strand). Cytogenetic location: 1q31.3.
Variant type: Deletion.
Coding change: c.139del on transcript NM_000186.4 (MANE Select); coding-DNA position 139, one base deleted (C; older notation c.139delC).
Protein change: p.Gln47fs; shifts the reading frame from glutamine 47.
Molecular consequence: frameshift variant.
Genome position (GRCh38, 1-based): chr1:196,673,058, C deleted; the last of 3 consecutive C bases (chr1:196,673,056-196,673,058); deleting any one gives the same sequence. VCF-style (leftmost placement, unchanged base first): chr1-196673055-AC-A. GRCh37 (hg19) VCF-style: chr1-196642185-AC-A.
Other names: p.Gln47Argfs*16; c.139del, p.Gln47fs (NM_001014975.3); short protein forms Q47fs.
Identifiers: ClinVar variation 3575077 (VCV003575077.2).